The following is an entry in ClinVar:

ClinVar aggregate classification (germline): Uncertain significance (1 of 4 stars; one submission).

Conditions:
Dystonia 12 (DYT12). Also called: DYT-ATP1A3; Rapid-Onset Dystonia-Parkinsonism (RDP). Identifiers: Orphanet 71517, MedGen C1868681, MONDO:0007496, OMIM 128235.

Allele frequency attached by ClinVar (database versions not stated): gnomAD exomes below 0.00001.
gnomAD v4.1: 1 of 1,614,168 alleles (0.000062%); highest among the groups gnomAD compares: Non-Finnish European, 0.000085%; no homozygotes.

Submission:

Labcorp Genetics (formerly Invitae), Labcorp
Classification: Uncertain significance for Dystonia 12. Last evaluated: 2022-06-14. Review status: criteria provided, single submitter. Criteria: Invitae Variant Classification Sherloc (09022015). Collection method: clinical testing. Allele origin: germline.
Comment: In summary, the available evidence is currently insufficient to determine the role of this variant in disease. Therefore, it has been classified as a Variant of Uncertain Significance. Advanced modeling of protein sequence and biophysical properties (such as structural, functional, and spatial information, amino acid conservation, physicochemical variation, residue mobility, and thermodynamic stability) performed at Invitae indicates that this missense variant is expected to disrupt ATP1A3 protein function. ClinVar contains an entry for this variant (Variation ID: 654636). This variant has not been reported in the literature in individuals affected with ATP1A3-related conditions. This variant is not present in population databases (gnomAD no frequency). This sequence change replaces proline, which is neutral and non-polar, with serine, which is neutral and polar, at codon 791 of the ATP1A3 protein (p.Pro791Ser).

NM_152296.5(ATP1A3):c.2371C>T (p.Pro791Ser)

Gene: ATP1A3 (ATPase Na+/K+ transporting subunit alpha 3; minus strand). Cytogenetic location: 19q13.2.
Variant type: single nucleotide variant.
Coding change: c.2371C>T on transcript NM_152296.5 (MANE Select); coding-DNA position 2371, C replaced by T.
Protein change: p.Pro791Ser; replaces proline 791 with serine.
Molecular consequence: missense variant.
Genome position (GRCh38, 1-based): chr19:41,970,435, G>A on the plus strand (C>T on the coding strand, the complement: ATP1A3 is on the minus strand). VCF-style: chr19-41970435-G-A. GRCh37 (hg19) VCF-style: chr19-42474587-G-A.
Other names: c.2404C>T, p.Pro802Ser (NM_001256213.2); c.2410C>T, p.Pro804Ser (NM_001256214.2); short protein forms P791S, P802S, P804S.
Identifiers: ClinVar variation 654636 (VCV000654636.8), dbSNP rs1599706459, ClinGen allele CA406039411.